The following is an entry in ClinVar:

NM_182493.3(MYLK3):c.382G>T (p.Val128Leu)

Gene: MYLK3 (myosin light chain kinase 3; minus strand). Cytogenetic location: 16q11.2.
Variant type: single nucleotide variant.
Coding change: c.382G>T on transcript NM_182493.3 (MANE Select); coding-DNA position 382, G replaced by T.
Protein change: p.Val128Leu; replaces valine 128 with leucine.
Molecular consequence: missense variant. On other transcripts: intron variant (1).
Genome position (GRCh38, 1-based): chr16:46,747,812, C>A on the plus strand (G>T on the coding strand, the complement: MYLK3 is on the minus strand). VCF-style: chr16-46747812-C-A. GRCh37 (hg19) VCF-style: chr16-46781724-C-A.
Other names: c.-113-7665G>T (NM_001308301.1); short protein forms V128L.
Identifiers: ClinVar variation 3717706 (VCV003717706.2).
Genomic context (GRCh38, chr16:46,747,812, plus strand): 5'-AGGGCACACGCCCCTGCATGAGGAAATCCGCCACCTTTGATTTCTGGAACGTGGCCCCCA[C>A]CAAAGCGATGGCCCTGTCCACCGCAGCCACCATCCTGAAGAGGGCCTCCAGCCTGGCACC-3'
Protein context (NP_872299.2, residues 118-138): VAAVDRAIAL[Val128Leu]GATFQKSKVA

ClinVar aggregate classification (germline): Uncertain significance (1 of 4 stars; one submission).

Submission:

Labcorp Genetics (formerly Invitae), Labcorp
Classification: Uncertain significance. Last evaluated: 2024-09-17. Review status: criteria provided, single submitter. Criteria: Invitae Variant Classification Sherloc (09022015). Collection method: clinical testing. Allele origin: germline.
Comment: This sequence change replaces valine, which is neutral and non-polar, with leucine, which is neutral and non-polar, at codon 128 of the MYLK3 protein (p.Val128Leu). This variant is not present in population databases (gnomAD no frequency). This variant has not been reported in the literature in individuals affected with MYLK3-related conditions. An algorithm developed to predict the effect of missense changes on protein structure and function outputs the following: PolyPhen-2: "Benign". The leucine amino acid residue is found in multiple mammalian species, which suggests that this missense change does not adversely affect protein function. In summary, the available evidence is currently insufficient to determine the role of this variant in disease. Therefore, it has been classified as a Variant of Uncertain Significance.